The following is an entry in ClinVar:

ClinVar aggregate classification (germline): Uncertain significance. Review status: criteria provided, multiple submitters, no conflicts (2 of 4 stars). 2 submissions from 2 submitters: Uncertain significance (2). Last evaluated 2025-11-25.

Conditions:
Hereditary cancer-predisposing syndrome. Also called: Tumor predisposition; Hereditary neoplastic syndrome; Hereditary Cancer Syndrome; Neoplastic Syndromes, Hereditary. Identifiers: Orphanet 140162, MedGen C0027672, MeSH D009386, MONDO:0015356.
Familial cancer of breast. Also called: hereditary breast carcinoma; BREAST CANCER, FAMILIAL; Hereditary breast cancer. Identifiers: Orphanet 227535, MedGen C0346153, MONDO:0016419, OMIM 114480. Disease mechanism: loss of function.

Submissions (2):

Ambry Genetics
Classification: Uncertain significance for Hereditary cancer-predisposing syndrome. Last evaluated: 2025-11-25. Review status: criteria provided, single submitter. Criteria: Ambry Variant Classification Scheme 2023. Collection method: clinical testing. Allele origin: germline.
Comment: The p.F914I variant (also known as c.2740T>A), located in coding exon 7 of the PALB2 gene, results from a T to A substitution at nucleotide position 2740. The phenylalanine at codon 914 is replaced by isoleucine, an amino acid with highly similar properties. This amino acid position is conserved. In addition, the in silico prediction for this alteration is inconclusive. Based on the available evidence, the clinical significance of this variant remains unclear.

Labcorp Genetics (formerly Invitae), Labcorp
Classification: Uncertain significance for Familial cancer of breast. Last evaluated: 2023-11-06. Review status: criteria provided, single submitter. Criteria: Invitae Variant Classification Sherloc (09022015). Collection method: clinical testing. Allele origin: germline.
Comment: This sequence change replaces phenylalanine, which is neutral and non-polar, with isoleucine, which is neutral and non-polar, at codon 914 of the PALB2 protein (p.Phe914Ile). This variant is not present in population databases (gnomAD no frequency). This variant has not been reported in the literature in individuals affected with PALB2-related conditions. Advanced modeling of protein sequence and biophysical properties (such as structural, functional, and spatial information, amino acid conservation, physicochemical variation, residue mobility, and thermodynamic stability) performed at Invitae indicates that this missense variant is expected to disrupt PALB2 protein function with a positive predictive value of 80%. In summary, the available evidence is currently insufficient to determine the role of this variant in disease. Therefore, it has been classified as a Variant of Uncertain Significance.

NM_024675.4(PALB2):c.2740T>A (p.Phe914Ile)

Gene: PALB2 (partner and localizer of BRCA2; minus strand). Cytogenetic location: 16p12.2.
Variant type: single nucleotide variant.
Coding change: c.2740T>A on transcript NM_024675.4 (MANE Select); coding-DNA position 2740, T replaced by A.
Protein change: p.Phe914Ile; replaces phenylalanine 914 with isoleucine.
Molecular consequence: missense variant. On other transcripts: intron variant (3).
Genome position (GRCh38, 1-based): chr16:23,626,244, A>T on the plus strand (T>A on the coding strand, the complement: PALB2 is on the minus strand). VCF-style: chr16-23626244-A-T. GRCh37 (hg19) VCF-style: chr16-23637565-A-T.
Other names: c.2680T>A, p.Phe894Ile (NM_001407296.1); c.2668T>A, p.Phe890Ile (NM_001407297.1); c.2740T>A, p.Phe914Ile (NM_001407299.1, NM_001407300.1, NM_001407301.1); c.1855T>A, p.Phe619Ile (NM_001407304.1, NM_001407305.1, NM_001407306.1 and 4 more transcripts); c.952T>A, p.Phe318Ile (NM_001407312.1, NM_001407313.1); c.274T>A, p.Phe92Ile (NM_001407314.1); c.2587-2150T>A (NM_001407302.1, NM_001407298.1); c.1702-2150T>A (NM_001407307.1); short protein forms F890I, F92I, F619I, F894I, F914I, F318I.
Identifiers: ClinVar variation 3019485 (VCV003019485.4), dbSNP rs2142353067, ClinGen allele CA395121831.